The following is an entry in ClinVar:

ClinVar aggregate classification (germline): Likely benign. Review status: criteria provided, multiple submitters, no conflicts (2 of 4 stars). 6 submissions from 6 submitters: Likely benign (6). Last evaluated 2025-04-24.

Conditions:
Arrhythmogenic right ventricular dysplasia 8 (ARVD8). Also called: Arrhythmogenic Right Ventricular Dysplasia/Cardiomyopathy 8; ARRHYTHMOGENIC RIGHT VENTRICULAR DYSPLASIA, FAMILIAL, 8; ARRHYTHMOGENIC RIGHT VENTRICULAR CARDIOMYOPATHY 8. Identifiers: MedGen C1843896, MONDO:0011831, OMIM 607450.
Arrhythmogenic cardiomyopathy with wooly hair and keratoderma. Also called: PALMOPLANTAR KERATODERMA WITH LEFT VENTRICULAR CARDIOMYOPATHY AND WOOLLY HAIR; Carvajal syndrome; Arrhythmogenic cardiomyopathy with woolly hair and keratoderma; Dilated cardiomyopathy with woolly hair and keratoderma. Identifiers: Orphanet 65282, MedGen C1854063, MONDO:0011581, OMIM 605676.
Keratosis palmoplantaris striata 2. Also called: STRIATE PALMOPLANTAR KERATODERMA II; KERATODERMA, PALMOPLANTAR, STRIATE FORM II; Keratosis palmoplantaris striata II. Identifiers: MedGen C1852127, MONDO:0013034, OMIM 612908.
Woolly hair-skin fragility syndrome (WHSF). Identifiers: Orphanet 293165, MedGen C1843292, MONDO:0957307, OMIM 620415.
Lethal acantholytic epidermolysis bullosa (EBLA). Identifiers: Orphanet 158687, MedGen C1864826, MONDO:0012323, OMIM 609638.
Cardiomyopathy, dilated, with wooly hair, keratoderma, and tooth agenesis. Also called: Cardiomyopathy, dilated, with woolly hair, keratoderma, and tooth agenesis; Erythrokeratodermia-cardiomyopathy syndrome. Identifiers: Orphanet 476096, Orphanet 65282, MedGen C4014393, MONDO:0014355, OMIM 615821.
Cardiovascular phenotype. Identifiers: MedGen CN230736.
Cardiomyopathy (CMYO). Also called: Cardiomyopathies. Identifiers: Orphanet 167848, MedGen C0878544, MONDO:0004994, HP:0001638. Inheritance: Various modes of inheritance.

gnomAD v4.1: 29 of 1,614,022 alleles (0.0018%); highest among the groups gnomAD compares: South Asian, 0.0033%; no homozygotes.

Submissions (6):

Labcorp Genetics (formerly Invitae), Labcorp
Classification: Likely benign for Arrhythmogenic cardiomyopathy with wooly hair and keratoderma; Arrhythmogenic right ventricular dysplasia 8. Last evaluated: 2025-04-24. Review status: criteria provided, single submitter. Criteria: Invitae Variant Classification Sherloc (09022015). Collection method: clinical testing. Allele origin: germline.

Ambry Genetics
Classification: Likely benign for Cardiovascular phenotype. Last evaluated: 2024-08-19. Review status: criteria provided, single submitter. Criteria: Ambry Variant Classification Scheme 2023. Collection method: clinical testing. Allele origin: germline.

All of Us Research Program, National Institutes of Health
Classification: Likely benign for Arrhythmogenic cardiomyopathy with wooly hair and keratoderma. Last evaluated: 2023-11-30. Review status: criteria provided, single submitter. Criteria: ACMG Guidelines, 2015. Collection method: clinical testing. Allele origin: germline. Inheritance: Autosomal dominant inheritance. Observed: 5 variant alleles, 5 heterozygotes.
Comment: This study involves interpretation of variants in research participants for the purpose of population health screening. Participant phenotype was not available at the time of variant classification. Additional details can be found in publication PMID: 35346344, PMCID: PMC8962531

CHEO Genetics Diagnostic Laboratory, Children's Hospital of Eastern Ontario
Classification: Likely benign for Cardiomyopathy. Last evaluated: 2021-11-01. Review status: criteria provided, single submitter. Criteria: ACMG Guidelines, 2015. Collection method: clinical testing. Allele origin: germline.

Fulgent Genetics
Classification: Likely benign for Arrhythmogenic cardiomyopathy with wooly hair and keratoderma; Arrhythmogenic right ventricular dysplasia 8; Lethal acantholytic epidermolysis bullosa; Keratosis palmoplantaris striata 2; Cardiomyopathy, dilated, with wooly hair, keratoderma, and tooth agenesis. Last evaluated: 2021-10-01. Review status: criteria provided, single submitter. Criteria: ACMG Guidelines, 2015. Collection method: clinical testing. Allele origin: unknown.

Color Diagnostics, LLC DBA Color Health
Classification: Likely benign for Cardiomyopathy. Last evaluated: 2019-11-24. Review status: criteria provided, single submitter. Criteria: ACMG Guidelines, 2015. Collection method: clinical testing. Allele origin: germline.

NM_004415.4(DSP):c.6441C>T (p.Val2147=)

Gene: DSP (desmoplakin; plus strand). Cytogenetic location: 6p24.3.
Variant type: single nucleotide variant.
Coding change: c.6441C>T on transcript NM_004415.4 (MANE Select); coding-DNA position 6441, C replaced by T.
Protein change: p.Val2147=; no amino-acid change (valine 2147 retained).
Molecular consequence: synonymous variant.
Genome position (GRCh38, 1-based): chr6:7,583,703, C>T. VCF-style: chr6-7583703-C-T. GRCh37 (hg19) VCF-style: chr6-7583936-C-T.
Other names: c.6441C>T (LRG_423t1); c.4644C>T, p.Val1548= (NM_001008844.3); c.5112C>T, p.Val1704= (NM_001319034.2).
Identifiers: ClinVar variation 263733 (VCV000263733.17), dbSNP rs762513279, ClinGen allele CA047680.